The following is an entry in ClinVar:

NM_000219.6(KCNE1):c.300G>C (p.Leu100=)

Gene: KCNE1 (potassium voltage-gated channel subfamily E regulatory subunit 1; minus strand). Cytogenetic location: 21q22.12.
Variant type: single nucleotide variant.
Coding change: c.300G>C on transcript NM_000219.6 (MANE Select); coding-DNA position 300, G replaced by C.
Protein change: p.Leu100=; no amino-acid change (leucine 100 retained).
Molecular consequence: synonymous variant.
Genome position (GRCh38, 1-based): chr21:34,449,335, C>G on the plus strand (G>C on the coding strand, the complement: KCNE1 is on the minus strand). VCF-style: chr21-34449335-C-G. GRCh37 (hg19) VCF-style: chr21-35821633-C-G.
Other names: c.300G>C, p.Leu100= (NM_001127668.4, NM_001127669.4, NM_001127670.4 and 4 more transcripts).
Identifiers: ClinVar variation 3374572 (VCV003374572.2).

Conditions:
Long QT syndrome 5 (LQT5). Identifiers: Orphanet 101016, Orphanet 768, MedGen C1867904, MONDO:0013372, OMIM 613695.

Submission:

Roden Lab, Vanderbilt University Medical Center
No classification provided (evidence only). Condition: Long QT syndrome 5. Review status: no classification provided. Collection method: in vitro. Allele origin: not applicable. Functional consequence: Effect on ion channel function.
ClinVar note: "not provided" was previously submitted as the classification for the variant. However, the classification appeared to be based only on an observation of functional data so it was converted to no classification on 2025-07-30.